The following is an entry in ClinVar:

NM_001127464.1:c.10100A>G

Gene: ZNF469 (zinc finger protein 469; plus strand).
Variant type: single nucleotide variant.
Identifiers: ClinVar variation 4209150 (VCV004209150.1).

ClinVar aggregate classification (germline): Uncertain significance (1 of 4 stars; one submission).

Conditions:
Cardiovascular phenotype. Identifiers: MedGen CN230736.

Submission:

Ambry Genetics
Classification: Uncertain significance for Cardiovascular phenotype. Last evaluated: 2025-06-28. Review status: criteria provided, single submitter. Criteria: Ambry Variant Classification Scheme 2023. Collection method: clinical testing. Allele origin: germline.
Comment: The p.E3367G variant (also known as c.10100A>G), located in coding exon 2 of the ZNF469 gene, results from an A to G substitution at nucleotide position 10100. The glutamic acid at codon 3367 is replaced by glycine, an amino acid with similar properties. This amino acid position is conserved. In addition, this alteration is predicted to be tolerated by in silico analysis. Based on the available evidence, the clinical significance of this variant remains unclear.